The following is an entry in ClinVar:

ClinVar aggregate classification (germline): Uncertain significance (1 of 4 stars; one submission).

gnomAD v4.1: 13 of 1,606,092 alleles (0.00081%); highest among the groups gnomAD compares: East Asian, 0.0022%; no homozygotes.

Submission:

Labcorp Genetics (formerly Invitae), Labcorp
Classification: Uncertain significance. Last evaluated: 2025-11-19. Review status: criteria provided, single submitter. Criteria: Invitae Variant Classification Sherloc (09022015). Collection method: clinical testing. Allele origin: germline.
Comment: This sequence change replaces arginine, which is basic and polar, with cysteine, which is neutral and slightly polar, at codon 801 of the CCDC141 protein (p.Arg801Cys). This variant is present in population databases (no rsID available, gnomAD 0.008%). This variant has not been reported in the literature in individuals affected with CCDC141-related conditions. An algorithm developed to predict the effect of missense changes on protein structure and function outputs the following: PolyPhen-2: "Benign". The cysteine amino acid residue is found in multiple mammalian species, which suggests that this missense change does not adversely affect protein function. In summary, the available evidence is currently insufficient to determine the role of this variant in disease. Therefore, it has been classified as a Variant of Uncertain Significance.

NM_173648.4(CCDC141):c.2401C>T (p.Arg801Cys)

Gene: CCDC141 (coiled-coil domain containing 141; minus strand). Cytogenetic location: 2q31.2.
Variant type: single nucleotide variant.
Coding change: c.2401C>T on transcript NM_173648.4 (MANE Select); coding-DNA position 2401, C replaced by T.
Protein change: p.Arg801Cys; replaces arginine 801 with cysteine.
Molecular consequence: missense variant.
Genome position (GRCh38, 1-based): chr2:178,868,199, G>A on the plus strand (C>T on the coding strand, the complement: CCDC141 is on the minus strand). VCF-style: chr2-178868199-G-A. GRCh37 (hg19) VCF-style: chr2-179732926-G-A.
Other names: short protein forms R801C.
Identifiers: ClinVar variation 4696758 (VCV004696758.1).
Genomic context (GRCh38, chr2:178,868,199, plus strand): 5'-GGGCATCACCCAGTTCCTTCGGCTGCTCTACAAACTCCAGCTCTCTTGATTTGATGAGAC[G>A]TCCCAGCTACAATTTAGGGCATTAACAATTAACCTGGGTTTTATATGAAGACAAATTTTT-3'
Protein context (NP_775919.3, residues 791-811): QFHQVKEELG[Arg801Cys]LIKSRELEFV